The following is an entry in ClinVar:

NM_000226.4(KRT9):c.1800C>T (p.Tyr600=)

Gene: KRT9 (keratin 9; minus strand). Cytogenetic location: 17q21.2.
Variant type: single nucleotide variant.
Coding change: c.1800C>T on transcript NM_000226.4 (MANE Select); coding-DNA position 1800, C replaced by T.
Protein change: p.Tyr600=; no amino-acid change (tyrosine 600 retained).
Molecular consequence: synonymous variant.
Genome position (GRCh38, 1-based): chr17:41,567,345, G>A on the plus strand (C>T on the coding strand, the complement: KRT9 is on the minus strand). VCF-style: chr17-41567345-G-A. GRCh37 (hg19) VCF-style: chr17-39723597-G-A.
Identifiers: ClinVar variation 323114 (VCV000323114.19), dbSNP rs148193621, ClinGen allele CA8561873.

ClinVar aggregate classification (germline): Benign/Likely benign. Review status: criteria provided, multiple submitters, no conflicts (2 of 4 stars). 4 submissions from 4 submitters: Benign (1); Likely benign (3). Last evaluated 2026-01-14.

Conditions:
Palmoplantar keratoderma, epidermolytic. Also called: Localized epidermolytic hyperkeratosis. Identifiers: MedGen C1721006, MONDO:0968949, HP:0007559.

Allele frequency attached by ClinVar (database versions not stated): gnomAD 0.00062 and 0.00066; 1000 Genomes Project 30x 0.00078; ESP Exome Variant Server 0.00092; 1000 Genomes Project 0.00100; gnomAD exomes 0.00104; ExAC 0.00127; TOPMed 0.00059.

Submissions (4):

Labcorp Genetics (formerly Invitae), Labcorp
Classification: Benign. Last evaluated: 2026-01-14. Review status: criteria provided, single submitter. Criteria: Invitae Variant Classification Sherloc (09022015). Collection method: clinical testing. Allele origin: germline.

CeGaT Center for Human Genetics Tuebingen
Classification: Likely benign. Last evaluated: 2025-12-01. Review status: criteria provided, single submitter. Criteria: CeGaT Center For Human Genetics Tuebingen Variant Classification Criteria Version 2. Collection method: clinical testing. Allele origin: germline. Affected: yes. Observed: 1 variant allele.
Comment: KRT9: BP4, BP7

Blueprint Genetics
Classification: Likely benign. Last evaluated: 2024-11-14. Review status: criteria provided, single submitter. Criteria: ACMG Guidelines, 2015. Collection method: clinical testing. Allele origin: germline.

Illumina Laboratory Services, Illumina
Classification: Likely benign for Epidermolytic palmoplantar keratoderma, 1. Last evaluated: 2018-01-13. Review status: criteria provided, single submitter. Criteria: ICSL Variant Classification Criteria 13 December 2019. Collection method: clinical testing. Allele origin: germline.
Comment: This variant was observed in the ICSL laboratory as part of a predisposition screen in an ostensibly healthy population. It had not been previously curated by ICSL or reported in the Human Gene Mutation Database (HGMD: prior to June 1st, 2018), and was therefore a candidate for classification through an automated scoring system. Utilizing variant allele frequency, disease prevalence and penetrance estimates, and inheritance mode, an automated score was calculated to assess if this variant is too frequent to cause the disease. Based on the score and internal cut-off values, a variant classified as likely benign is not then subjected to further curation. The score for this variant resulted in a classification of likely benign for this disease.